The following is an entry in ClinVar:

ClinVar aggregate classification (germline): Pathogenic (1 of 4 stars; one submission).

Submission:

Labcorp Genetics (formerly Invitae), Labcorp
Classification: Pathogenic. Last evaluated: 2023-07-29. Review status: criteria provided, single submitter. Criteria: Invitae Variant Classification Sherloc (09022015). Collection method: clinical testing. Allele origin: germline.
Comment: This variant is not present in population databases (gnomAD no frequency). For these reasons, this variant has been classified as Pathogenic. This variant has not been reported in the literature in individuals affected with SLC1A4-related conditions. This sequence change creates a premature translational stop signal (p.Trp267*) in the SLC1A4 gene. It is expected to result in an absent or disrupted protein product. Loss-of-function variants in SLC1A4 are known to be pathogenic (PMID: 26041762, 27848944, 30125339).

Literature cited by the submitters: PubMed 26041762; PubMed 27848944; PubMed 30125339.

NM_003038.5(SLC1A4):c.801G>A (p.Trp267Ter)

Gene: SLC1A4 (solute carrier family 1 member 4; plus strand). Cytogenetic location: 2p14.
Variant type: single nucleotide variant.
Coding change: c.801G>A on transcript NM_003038.5 (MANE Select); coding-DNA position 801, G replaced by A.
Protein change: p.Trp267Ter; replaces tryptophan 267 with a stop codon.
Molecular consequence: nonsense. On other transcripts: intron variant (1).
Genome position (GRCh38, 1-based): chr2:65,016,440, G>A. VCF-style: chr2-65016440-G-A. GRCh37 (hg19) VCF-style: chr2-65243574-G-A.
Other names: c.141G>A, p.Trp47Ter (NM_001348406.2, NM_001348407.2); c.141-1631G>A (NM_001193493.2); short protein forms W267*, W47*.
Identifiers: ClinVar variation 2748034 (VCV002748034.3), dbSNP rs2528575772, ClinGen allele CA347008363.
Genomic context (GRCh38, chr2:65,016,440, plus strand): 5'-CCTGCATCTCTCACCCCAGCTTTATCCCCCACTGATGAGTACCCTGTGCTTGTGCCCTAG[G>A]TACGTACCTGTGGGCATCATGTTCCTTGTTGGAAGCAAGATCGTGGAAATGAAAGACATC-3'